The following is an entry in ClinVar:

NM_004320.6(ATP2A1):c.1678C>T (p.Arg560Cys)

Gene: ATP2A1 (ATPase sarcoplasmic/endoplasmic reticulum Ca2+ transporting 1; plus strand). Cytogenetic location: 16p11.2.
Variant type: single nucleotide variant.
Coding change: c.1678C>T on transcript NM_004320.6 (MANE Select); coding-DNA position 1678, C replaced by T.
Protein change: p.Arg560Cys; replaces arginine 560 with cysteine.
Molecular consequence: missense variant.
Genome position (GRCh38, 1-based): chr16:28,898,365, C>T. VCF-style: chr16-28898365-C-T. GRCh37 (hg19) VCF-style: chr16-28909686-C-T.
Other names: c.1303C>T, p.Arg435Cys (NM_001286075.2); c.1678C>T, p.Arg560Cys (NM_173201.5); short protein forms R435C, R560C.
Identifiers: ClinVar variation 1345949 (VCV001345949.7), dbSNP rs761592113, ClinGen allele CA7987050.

ClinVar aggregate classification (germline): Uncertain significance (1 of 4 stars; one submission).

Conditions:
Brody myopathy. Also called: BRODY DISEASE. Identifiers: Orphanet 53347, MedGen C1832918, MONDO:0010977, OMIM 601003.

Allele frequency attached by ClinVar (database versions not stated): gnomAD 0.00001; TOPMed 0.00001; gnomAD exomes 0.00002 and 0.00003; ExAC 0.00003.
gnomAD v4.1: 32 of 1,614,074 alleles (0.002%); highest among the groups gnomAD compares: Non-Finnish European, 0.0025%; no homozygotes.

Submission:

Labcorp Genetics (formerly Invitae), Labcorp
Classification: Uncertain significance for Brody myopathy. Last evaluated: 2022-11-22. Review status: criteria provided, single submitter. Criteria: Invitae Variant Classification Sherloc (09022015). Collection method: clinical testing. Allele origin: germline.
Comment: ClinVar contains an entry for this variant (Variation ID: 1345949). In summary, the available evidence is currently insufficient to determine the role of this variant in disease. Therefore, it has been classified as a Variant of Uncertain Significance. Algorithms developed to predict the effect of missense changes on protein structure and function are either unavailable or do not agree on the potential impact of this missense change (SIFT: "Deleterious"; PolyPhen-2: "Possibly Damaging"; Align-GVGD: "Class C0"). This missense change has been observed in individuals with Brody myopathy (PMID: 32040565). This variant is present in population databases (rs761592113, gnomAD 0.006%). This sequence change replaces arginine, which is basic and polar, with cysteine, which is neutral and slightly polar, at codon 560 of the ATP2A1 protein (p.Arg560Cys).

Literature cited by the submitters: PubMed 32040565.